The following is an entry in ClinVar:

NM_006767.4(LZTR1):c.1963A>T (p.Met655Leu)

Gene: LZTR1 (leucine zipper like post translational regulator 1; plus strand). Cytogenetic location: 22q11.21.
Variant type: single nucleotide variant.
Coding change: c.1963A>T on transcript NM_006767.4 (MANE Select); coding-DNA position 1963, A replaced by T.
Protein change: p.Met655Leu; replaces methionine 655 with leucine.
Molecular consequence: missense variant.
Genome position (GRCh38, 1-based): chr22:20,995,766, A>T. VCF-style: chr22-20995766-A-T. GRCh37 (hg19) VCF-style: chr22-21350055-A-T.
Other names: short protein forms M655L.
Identifiers: ClinVar variation 5023731 (VCV005023731.1).

ClinVar aggregate classification (germline): Uncertain significance (1 of 4 stars; one submission).

Conditions:
Cardiovascular phenotype. Identifiers: MedGen CN230736.
Hereditary cancer-predisposing syndrome. Also called: Neoplastic Syndromes, Hereditary; Tumor predisposition; Hereditary neoplastic syndrome; Hereditary Cancer Syndrome. Identifiers: Orphanet 140162, MedGen C0027672, MeSH D009386, MONDO:0015356.

Submission:

Ambry Genetics
Classification: Uncertain significance for Cardiovascular phenotype; Hereditary cancer-predisposing syndrome. Last evaluated: 2026-08-12. Review status: criteria provided, single submitter. Criteria: Ambry Variant Classification Scheme 2023. Collection method: clinical testing. Allele origin: germline.
Comment: The p.M655L variant (also known as c.1963A>T), located in coding exon 17 of the LZTR1 gene, results from an A to T substitution at nucleotide position 1963. The methionine at codon 655 is replaced by leucine, an amino acid with highly similar properties. This amino acid position is conserved. In addition, this alteration is predicted to be tolerated by in silico analysis. Based on the available evidence, the clinical significance of this variant remains unclear.